The following is an entry in ClinVar:

ClinVar aggregate classification (germline): Uncertain significance (1 of 4 stars; one submission).

Conditions:
Chédiak-Higashi syndrome (CHS). Also called: Chediak-Higashi Syndrome. Identifiers: Orphanet 167, MedGen C0007965, MONDO:0008963, OMIM 214500.

Submission:

Labcorp Genetics (formerly Invitae), Labcorp
Classification: Uncertain significance for Chédiak-Higashi syndrome. Last evaluated: 2022-06-23. Review status: criteria provided, single submitter. Criteria: Invitae Variant Classification Sherloc (09022015). Collection method: clinical testing. Allele origin: germline.
Comment: In summary, the available evidence is currently insufficient to determine the role of this variant in disease. Therefore, it has been classified as a Variant of Uncertain Significance. Experimental studies and prediction algorithms are not available or were not evaluated, and the functional significance of this variant is currently unknown. This variant has not been reported in the literature in individuals affected with LYST-related conditions. This variant is not present in population databases (gnomAD no frequency). This variant, c.5113_5115del, results in the deletion of 1 amino acid(s) of the LYST protein (p.Val1705del), but otherwise preserves the integrity of the reading frame.

NM_000081.4(LYST):c.5113_5115del (p.Val1705del)

Gene: LYST (lysosomal trafficking regulator; minus strand). Cytogenetic location: 1q42.3.
Variant type: Deletion.
Coding change: c.5113_5115del on transcript NM_000081.4 (MANE Select); coding-DNA positions 5113 to 5115, 3 bases deleted (GTC; older notation c.5113_5115delGTC).
Protein change: p.Val1705del; deletes valine 1705.
Molecular consequence: inframe deletion.
Genome position (GRCh38, 1-based): chr1:235,780,964-235,780,966, GAC deleted on the plus strand (GTC on the coding strand, the reverse complement: LYST is on the minus strand). VCF-style (leftmost placement, unchanged base first): chr1-235780963-TGAC-T. GRCh37 (hg19) VCF-style: chr1-235944263-TGAC-T.
Other names: c.5113_5115del, p.Val1705del (NM_001301365.1); short protein forms V1705del.
Identifiers: ClinVar variation 2009856 (VCV002009856.4), dbSNP rs2528031806, ClinGen allele CA2580062419.